The following is an entry in ClinVar:

ClinVar aggregate classification (germline): Uncertain significance (1 of 4 stars; one submission).

Conditions:
DNMT3A-related disorder. Also called: DNMT3A-related condition; DNMT3A-related disorders.

Submission:

PreventionGenetics, part of Exact Sciences
Classification: Uncertain significance for DNMT3A-related condition. Last evaluated: 2025-05-28. Review status: criteria provided, single submitter. Criteria: ACMG Guidelines, 2015. Collection method: clinical testing. Allele origin: germline.
Comment: The DNMT3A c.177G>C variant is not predicted to result in an amino acid change (p.=). This variant is predicted to alter splicing based on available splicing prediction programs (SpliceAI, Jaganathan et al. 2019. PubMed ID: 30661751). However, the use of computer prediction programs is not equivalent to functional evidence. To our knowledge, this variant has not been reported in the literature or in a large population database (gnomAD), indicating this variant is rare. At this time, the clinical significance of this variant is uncertain due to the absence of conclusive functional and genetic evidence.

NM_022552.5(DNMT3A):c.177G>C (p.Pro59=)

Gene: DNMT3A (DNA methyltransferase 3 alpha; minus strand). Cytogenetic location: 2p23.3.
Variant type: single nucleotide variant.
Coding change: c.177G>C on transcript NM_022552.5 (MANE Select); coding-DNA position 177, G replaced by C.
Protein change: p.Pro59=; no amino-acid change (proline 59 retained).
Molecular consequence: synonymous variant. On other transcripts: non-coding transcript variant (1).
Genome position (GRCh38, 1-based): chr2:25,300,139, C>G on the plus strand (G>C on the coding strand, the complement: DNMT3A is on the minus strand). VCF-style: chr2-25300139-C-G. GRCh37 (hg19) VCF-style: chr2-25523008-C-G.
Other names: c.177G>C, p.Pro59= (NM_001320892.2, NM_175629.2, NM_175630.1).
Identifiers: ClinVar variation 4999410 (VCV004999410.1).